The following is an entry in ClinVar:

ClinVar aggregate classification (germline): Uncertain significance (1 of 4 stars; one submission).

Allele frequency attached by ClinVar (database versions not stated): gnomAD exomes below 0.00001; ExAC 0.00001.
gnomAD v4.1: 3 of 1,519,868 alleles (0.0002%); highest among the groups gnomAD compares: South Asian, 0.0023%; no homozygotes.

Submission:

Labcorp Genetics (formerly Invitae), Labcorp
Classification: Uncertain significance. Last evaluated: 2021-11-25. Review status: criteria provided, single submitter. Criteria: Invitae Variant Classification Sherloc (09022015). Collection method: clinical testing. Allele origin: germline.
Comment: This sequence change replaces lysine, which is basic and polar, with arginine, which is basic and polar, at codon 5063 of the PCLO protein (p.Lys5063Arg). The frequency data for this variant in the population databases is considered unreliable, as metrics indicate poor data quality at this position in the gnomAD database. This variant has not been reported in the literature in individuals affected with PCLO-related conditions. Algorithms developed to predict the effect of missense changes on protein structure and function output the following: SIFT: "Tolerated"; PolyPhen-2: "Not Available"; Align-GVGD: "Class C0". The arginine amino acid residue is found in multiple mammalian species, which suggests that this missense change does not adversely affect protein function. Algorithms developed to predict the effect of sequence changes on RNA splicing suggest that this variant may create or strengthen a splice site. In summary, the available evidence is currently insufficient to determine the role of this variant in disease. Therefore, it has been classified as a Variant of Uncertain Significance.

NM_033026.6(PCLO):c.15188A>G (p.Lys5063Arg)

Gene: PCLO (piccolo presynaptic cytomatrix protein; minus strand). Cytogenetic location: 7q21.11.
Variant type: single nucleotide variant.
Coding change: c.15188A>G on transcript NM_033026.6 (MANE Select); coding-DNA position 15188, A replaced by G.
Protein change: p.Lys5063Arg; replaces lysine 5063 with arginine.
Molecular consequence: missense variant.
Genome position (GRCh38, 1-based): chr7:82,760,739, T>C on the plus strand (A>G on the coding strand, the complement: PCLO is on the minus strand). VCF-style: chr7-82760739-T-C. GRCh37 (hg19) VCF-style: chr7-82390055-T-C.
Other names: short protein forms K5063R.
Identifiers: ClinVar variation 1467688 (VCV001467688.3), dbSNP rs756125419, ClinGen allele CA4318591.